The following is an entry in ClinVar:

NM_001378452.1(ITPR1):c.1548C>G (p.Leu516=)

Gene: ITPR1 (inositol 1,4,5-trisphosphate receptor type 1; plus strand). Cytogenetic location: 3p26.1.
Variant type: single nucleotide variant.
Coding change: c.1548C>G on transcript NM_001378452.1 (MANE Select); coding-DNA position 1548, C replaced by G.
Protein change: p.Leu516=; no amino-acid change (leucine 516 retained).
Molecular consequence: synonymous variant.
Genome position (GRCh38, 1-based): chr3:4,663,200, C>G. VCF-style: chr3-4663200-C-G. GRCh37 (hg19) VCF-style: chr3-4704884-C-G.
Other names: c.1548C>G, p.Leu516= (NM_001099952.4); c.1503C>G, p.Leu501= (NM_001168272.2, NM_002222.7).
Identifiers: ClinVar variation 2684234 (VCV002684234.1), dbSNP rs970004947, ClinGen allele CA68812529.

ClinVar aggregate classification (germline): Uncertain significance (1 of 4 stars; one submission).

Allele frequency attached by ClinVar (database versions not stated): TOPMed below 0.00001.

Submission:

Athena Diagnostics
Classification: Uncertain significance. Last evaluated: 2022-11-28. Review status: criteria provided, single submitter. Criteria: Athena Diagnostics Criteria. Collection method: clinical testing. Allele origin: unknown.
Comment: Available data are insufficient to determine the clinical significance of the variant at this time. This variant has not been reported in large, multi-ethnic general populations. Computational tools yielded predictions that this variant is unlikely to have an effect on normal RNA splicing.